The following is an entry in ClinVar:

ClinVar aggregate classification (germline): Uncertain significance (1 of 4 stars; one submission).

Conditions:
Hennekam lymphangiectasia-lymphedema syndrome 2 (HKLLS2). Identifiers: Orphanet 2136, MedGen C4014939, MONDO:0014454, OMIM 616006.

Submission:

Baylor Genetics
Classification: Uncertain significance for Hennekam lymphangiectasia-lymphedema syndrome 2. Last evaluated: 2019-09-12. Review status: criteria provided, single submitter. Criteria: ACMG Guidelines, 2015. Collection method: clinical testing. Allele origin: unknown. Affected: yes.
Comment: This variant was determined to be of uncertain significance according to ACMG Guidelines, 2015 [PMID:25741868].

NM_001291303.3(FAT4):c.11706T>G (p.Asp3902Glu)

Gene: FAT4 (FAT atypical cadherin 4; plus strand). Cytogenetic location: 4q28.1.
Variant type: single nucleotide variant.
Coding change: c.11706T>G on transcript NM_001291303.3 (MANE Select); coding-DNA position 11706, T replaced by G.
Protein change: p.Asp3902Glu; replaces aspartic acid 3902 with glutamic acid.
Molecular consequence: missense variant.
Genome position (GRCh38, 1-based): chr4:125,452,716, T>G. VCF-style: chr4-125452716-T-G. GRCh37 (hg19) VCF-style: chr4-126373871-T-G.
Other names: c.11706T>G, p.Asp3902Glu (NM_001291285.3); c.11700T>G, p.Asp3900Glu (NM_024582.6); short protein forms D3900E, D3902E.
Identifiers: ClinVar variation 1028317 (VCV001028317.1), dbSNP rs774612831, ClinGen allele CA358163712.
Genomic context (GRCh38, chr4:125,452,716, plus strand): 5'-AGTGGGAGGATTTTCATGCAGCTGCCCAGATGGCTTCACTGGTAGGGCGTGTGAGAGAGA[T>G]ATCAATGAGTGCCTGCAGAGTCCTTGCAAGAATGGTGCCATCTGCCAGAATTTTCCAGGA-3'
Protein context (NP_001278232.1, residues 3892-3912): DGFTGRACER[Asp3902Glu]INECLQSPCK